The following is an entry in ClinVar:

ClinVar aggregate classification (germline): Uncertain significance. Review status: criteria provided, multiple submitters, no conflicts (2 of 4 stars). 3 submissions from 3 submitters: Uncertain significance (2). 1 of the submissions does not count toward it. Last evaluated 2025-10-27.

Conditions:
Familial cancer of breast. Also called: BREAST CANCER, FAMILIAL; Hereditary breast cancer; hereditary breast carcinoma. Identifiers: Orphanet 227535, MedGen C0346153, MONDO:0016419, OMIM 114480. Disease mechanism: loss of function.
CHEK2-related disorder.
Hereditary cancer-predisposing syndrome. Also called: Tumor predisposition; Hereditary Cancer Syndrome; Hereditary neoplastic syndrome; Neoplastic Syndromes, Hereditary. Identifiers: Orphanet 140162, MedGen C0027672, MeSH D009386, MONDO:0015356.

Submissions (3):

Labcorp Genetics (formerly Invitae), Labcorp
Classification: Uncertain significance for Familial cancer of breast. Last evaluated: 2025-10-27. Review status: criteria provided, single submitter. Criteria: Invitae Variant Classification Sherloc (09022015). Collection method: clinical testing. Allele origin: germline.
Comment: This sequence change replaces asparagine, which is neutral and polar, with serine, which is neutral and polar, at codon 110 of the CHEK2 protein (p.Asn110Ser). This variant is not present in population databases (gnomAD no frequency). This variant has not been reported in the literature in individuals affected with CHEK2-related conditions. ClinVar contains an entry for this variant (Variation ID: 410031). An algorithm developed to predict the effect of missense changes on protein structure and function outputs the following: PolyPhen-2: "Benign". The serine amino acid residue is found in multiple mammalian species, which suggests that this missense change does not adversely affect protein function. In summary, the available evidence is currently insufficient to determine the role of this variant in disease. Therefore, it has been classified as a Variant of Uncertain Significance.

Ambry Genetics
Classification: Uncertain significance for Hereditary cancer-predisposing syndrome. Last evaluated: 2023-06-05. Review status: criteria provided, single submitter. Criteria: Ambry Variant Classification Scheme 2023. Collection method: clinical testing. Allele origin: germline.
Comment: The p.N110S variant (also known as c.329A>G), located in coding exon 2 of the CHEK2 gene, results from an A to G substitution at nucleotide position 329. The asparagine at codon 110 is replaced by serine, an amino acid with highly similar properties. This alteration was identified in a cohort of 481 Chinese breast cancer patients with family history of breast/ovarian cancer (Wang J et al. Cancer Med, 2019 May;8:2074-2084). This amino acid position is not well conserved in available vertebrate species. In addition, this alteration is predicted to be tolerated by in silico analysis. Since supporting evidence is limited at this time, the clinical significance of this alteration remains unclear.

PreventionGenetics, part of Exact Sciences
Classification: Uncertain significance for CHEK2-related condition. Last evaluated: 2024-09-24. Review status: no assertion criteria provided. Collection method: clinical testing. Allele origin: germline. Not counted in ClinVar's aggregate classification.
Comment: The CHEK2 c.329A>G variant is predicted to result in the amino acid substitution p.Asn110Ser. This variant has been reported in an individual with breast cancer (Wang et al. 2019. PubMed ID: 30982232). This variant has not been reported in a large population database, indicating this variant is rare. In ClinVar, this variant is classified as a variant of uncertain significance. At this time, the clinical significance of this variant is uncertain due to the absence of conclusive functional and genetic evidence.

Literature cited by the submitters: PubMed 30982232 (cited by Ambry Genetics).

NM_007194.4(CHEK2):c.329A>G (p.Asn110Ser)

Gene: CHEK2 (checkpoint kinase 2; minus strand). Cytogenetic location: 22q12.1.
Variant type: single nucleotide variant.
Coding change: c.329A>G on transcript NM_007194.4 (MANE Select); coding-DNA position 329, A replaced by G.
Protein change: p.Asn110Ser; replaces asparagine 110 with serine.
Molecular consequence: missense variant.
Genome position (GRCh38, 1-based): chr22:28,725,358, T>C on the plus strand (A>G on the coding strand, the complement: CHEK2 is on the minus strand). VCF-style: chr22-28725358-T-C. GRCh37 (hg19) VCF-style: chr22-29121346-T-C.
Other names: c.458A>G, p.Asn153Ser (NM_001005735.3); c.-449A>G (NM_001257387.3); c.329A>G, p.Asn110Ser (NM_001349956.3, NM_145862.3); short protein forms N110S, N153S.
Identifiers: ClinVar variation 410031 (VCV000410031.16), dbSNP rs1060502700, ClinGen allele CA16616574.